The following is an entry in ClinVar:

ClinVar aggregate classification (germline): Uncertain significance (1 of 4 stars; one submission).

Allele frequency attached by ClinVar (database versions not stated): gnomAD exomes below 0.00001; ExAC 0.00002.

Submission:

Labcorp Genetics (formerly Invitae), Labcorp
Classification: Uncertain significance. Last evaluated: 2021-03-10. Review status: criteria provided, single submitter. Criteria: Invitae Variant Classification Sherloc (09022015). Collection method: clinical testing. Allele origin: germline.
Comment: Algorithms developed to predict the effect of missense changes on protein structure and function (SIFT, PolyPhen-2, Align-GVGD) all suggest that this variant is likely to be disruptive, but these predictions have not been confirmed by published functional studies and their clinical significance is uncertain. This sequence change replaces glutamic acid with glutamine at codon 96 of the CFAP410 protein (p.Glu96Gln). The glutamic acid residue is highly conserved and there is a small physicochemical difference between glutamic acid and glutamine. This variant is present in population databases (rs774614339, ExAC 0.004%). This variant has not been reported in the literature in individuals with CFAP410-related conditions. In summary, the available evidence is currently insufficient to determine the role of this variant in disease. Therefore, it has been classified as a Variant of Uncertain Significance.

NM_004928.3(CFAP410):c.286G>C (p.Glu96Gln)

Gene: CFAP410 (cilia and flagella associated protein 410; minus strand). Cytogenetic location: 21q22.3.
Variant type: single nucleotide variant.
Coding change: c.286G>C on transcript NM_004928.3 (MANE Select); coding-DNA position 286, G replaced by C.
Protein change: p.Glu96Gln; replaces glutamic acid 96 with glutamine.
Molecular consequence: missense variant.
Genome position (GRCh38, 1-based): chr21:44,333,120, C>G on the plus strand (G>C on the coding strand, the complement: CFAP410 is on the minus strand). VCF-style: chr21-44333120-C-G. GRCh37 (hg19) VCF-style: chr21-45753003-C-G.
Other names: c.286G>C, p.Glu96Gln (NM_001271440.2, NM_001271441.2); c.163G>C, p.Glu55Gln (NM_001271442.1); short protein forms E55Q, E96Q.
Identifiers: ClinVar variation 1520102 (VCV001520102.8), dbSNP rs774614339, ClinGen allele CA10053740.
Genomic context (GRCh38, chr21:44,333,120, plus strand): 5'-GCAGGGTGCGCAGCACGGTCATGCGGTAGCGGTGGGGGCTGGTGCCGCAGCACGGGTTCT[C>G]GGCCAGCCACAGCACCCGCAGACGCGGCAGCCCCTTCAGGTAGAAGAGCTCAGCCAGGCT-3'
Protein context (NP_004919.1, residues 86-106): LPRLRVLWLA[Glu96Gln]NPCCGTSPHR